The following is an entry in ClinVar:

NM_001085487.3(MYSM1):c.13G>A (p.Glu5Lys)

Genes: MYSM1 (Myb like, SWIRM and MPN domains 1; minus strand), LOC129930616 (ATAC-STARR-seq lymphoblastoid active region 1087; plus strand). Cytogenetic location: 1p32.1.
Variant type: single nucleotide variant.
Coding change: c.13G>A on transcript NM_001085487.3 (MANE Select); coding-DNA position 13, G replaced by A.
Protein change: p.Glu5Lys; replaces glutamic acid 5 with lysine.
Molecular consequence: missense variant.
Genome position (GRCh38, 1-based): chr1:58,700,040, C>T on the plus strand (G>A on the coding strand, the complement: MYSM1 is on the minus strand). VCF-style: chr1-58700040-C-T. GRCh37 (hg19) VCF-style: chr1-59165712-C-T.
Other names: c.13G>A (NM_001085487.2); short protein forms E5K.
Identifiers: ClinVar variation 1399784 (VCV001399784.6), dbSNP rs773237401, ClinGen allele CA878193.

ClinVar aggregate classification (germline): Uncertain significance. Review status: criteria provided, multiple submitters, no conflicts (2 of 4 stars). 2 submissions from 2 submitters: Uncertain significance (2). Last evaluated 2024-08-14.

Conditions:
Inborn genetic diseases. Identifiers: MedGen C0950123, MeSH D030342.

Allele frequency attached by ClinVar (database versions not stated): gnomAD exomes 0.00001 and 0.00002; TOPMed 0.00001; gnomAD 0.00002 and 0.00003; ExAC 0.00003; 1000 Genomes Project 30x 0.00016.
gnomAD v4.1: 27 of 1,613,834 alleles (0.0017%); highest among the groups gnomAD compares: East Asian, 0.051%; no homozygotes.

Submissions (2):

Labcorp Genetics (formerly Invitae), Labcorp
Classification: Uncertain significance. Last evaluated: 2024-08-14. Review status: criteria provided, single submitter. Criteria: Invitae Variant Classification Sherloc (09022015). Collection method: clinical testing. Allele origin: germline.
Comment: This sequence change replaces glutamic acid, which is acidic and polar, with lysine, which is basic and polar, at codon 5 of the MYSM1 protein (p.Glu5Lys). This variant is present in population databases (rs773237401, gnomAD 0.03%). This variant has not been reported in the literature in individuals affected with MYSM1-related conditions. ClinVar contains an entry for this variant (Variation ID: 1399784). Invitae Evidence Modeling of protein sequence and biophysical properties (such as structural, functional, and spatial information, amino acid conservation, physicochemical variation, residue mobility, and thermodynamic stability) indicates that this missense variant is expected to disrupt MYSM1 protein function with a positive predictive value of 80%. In summary, the available evidence is currently insufficient to determine the role of this variant in disease. Therefore, it has been classified as a Variant of Uncertain Significance.

Ambry Genetics
Classification: Uncertain significance for Inborn genetic diseases. Last evaluated: 2021-09-27. Review status: criteria provided, single submitter. Criteria: Ambry Variant Classification Scheme 2023. Collection method: clinical testing. Allele origin: germline.